The following is an entry in ClinVar:

ClinVar aggregate classification (germline): Conflicting classifications of pathogenicity. Review status: criteria provided, conflicting classifications (1 of 4 stars). 2 submissions from 2 submitters: Uncertain significance (1); Benign (1). Last evaluated 2026-07-28.

Conditions:
RAI1-related disorder. Also called: RAI1-related condition.

Allele frequency attached by ClinVar (database versions not stated): gnomAD exomes below 0.00001; ExAC 0.00001; gnomAD 0.00001; TOPMed 0.00003.
gnomAD v4.1: 5 of 1,612,934 alleles (0.00031%); highest among the groups gnomAD compares: East Asian, 0.0022%; no homozygotes.

Submissions (2):

PreventionGenetics, part of Exact Sciences
Classification: Uncertain significance for RAI1-related condition. Last evaluated: 2026-07-28. Review status: criteria provided, single submitter. Criteria: ACMG Guidelines, 2015. Collection method: clinical testing. Allele origin: germline.
Comment: The RAI1 c.1459G>A variant is predicted to result in the amino acid substitution p.Gly487Ser. To our knowledge, this variant has not been reported in the literature. This variant is reported in 0.0063% of alleles in individuals of African descent in gnomAD. At this time, the clinical significance of this variant is uncertain due to the absence of conclusive functional and genetic evidence.

Labcorp Genetics (formerly Invitae), Labcorp
Classification: Benign. Last evaluated: 2024-04-10. Review status: criteria provided, single submitter. Criteria: Invitae Variant Classification Sherloc (09022015). Collection method: clinical testing. Allele origin: germline.

NM_030665.4(RAI1):c.1459G>A (p.Gly487Ser)

Gene: RAI1 (retinoic acid induced 1; plus strand). Cytogenetic location: 17p11.2.
Variant type: single nucleotide variant.
Coding change: c.1459G>A on transcript NM_030665.4 (MANE Select); coding-DNA position 1459, G replaced by A.
Protein change: p.Gly487Ser; replaces glycine 487 with serine.
Molecular consequence: missense variant.
Genome position (GRCh38, 1-based): chr17:17,794,407, G>A. VCF-style: chr17-17794407-G-A. GRCh37 (hg19) VCF-style: chr17-17697721-G-A.
Other names: c.1459G>A (NM_030665.3); short protein forms G487S.
Identifiers: ClinVar variation 1421741 (VCV001421741.9), dbSNP rs753272902, ClinGen allele CA8418337.